The following is an entry in ClinVar:

NM_003482.4(KMT2D):c.1103T>C (p.Val368Ala)

Gene: KMT2D (lysine methyltransferase 2D; minus strand). Cytogenetic location: 12q13.12.
Variant type: single nucleotide variant.
Coding change: c.1103T>C on transcript NM_003482.4 (MANE Select); coding-DNA position 1103, T replaced by C.
Protein change: p.Val368Ala; replaces valine 368 with alanine.
Molecular consequence: missense variant.
Genome position (GRCh38, 1-based): chr12:49,052,924, A>G on the plus strand (T>C on the coding strand, the complement: KMT2D is on the minus strand). VCF-style: chr12-49052924-A-G. GRCh37 (hg19) VCF-style: chr12-49446707-A-G.
Other names: short protein forms V368A.
Identifiers: ClinVar variation 2134438 (VCV002134438.4), dbSNP rs2498462653, ClinGen allele CA384677604.

ClinVar aggregate classification (germline): Uncertain significance (1 of 4 stars; one submission).

Conditions:
Kabuki syndrome. Also called: Kabuki make-up syndrome; NIIKAWA-KUROKI SYNDROME. Identifiers: Orphanet 2322, MedGen C0796004, MONDO:0016512.

Submission:

Labcorp Genetics (formerly Invitae), Labcorp
Classification: Uncertain significance for Kabuki syndrome. Last evaluated: 2022-05-05. Review status: criteria provided, single submitter. Criteria: Invitae Variant Classification Sherloc (09022015). Collection method: clinical testing. Allele origin: germline.
Comment: This sequence change replaces valine, which is neutral and non-polar, with alanine, which is neutral and non-polar, at codon 368 of the KMT2D protein (p.Val368Ala). This variant is not present in population databases (gnomAD no frequency). This variant has not been reported in the literature in individuals affected with KMT2D-related conditions. Advanced modeling of protein sequence and biophysical properties (such as structural, functional, and spatial information, amino acid conservation, physicochemical variation, residue mobility, and thermodynamic stability) performed at Invitae indicates that this missense variant is not expected to disrupt KMT2D protein function. In summary, the available evidence is currently insufficient to determine the role of this variant in disease. Therefore, it has been classified as a Variant of Uncertain Significance.